The following is an entry in ClinVar:

ClinVar aggregate classification (germline): Uncertain significance (1 of 4 stars; one submission).

Allele frequency attached by ClinVar (database versions not stated): gnomAD exomes below 0.00001 and 0.00003; gnomAD 0.00001; TOPMed 0.00001; ExAC 0.00002.

Submission:

GeneDx
Classification: Uncertain significance. Last evaluated: 2018-05-25. Review status: criteria provided, single submitter. Criteria: GeneDx Variant Classification (06012015). Collection method: clinical testing. Allele origin: germline. Affected: yes.
Comment: The E392K variant has not been published as a pathogenic variant, nor has it been reported as a benign variant to our knowledge. Missense variants in a nearby residue (C390R/F) have been reported in the Human Gene Mutation Database in association with MFN2-related disorders (Stenson et al., 2014). The E392K variant was not observed in approximately 6,500 individuals of European and African American ancestry in the NHLBI Exome Sequencing Project, indicating it is not a common benign variant in these populations. This variant is a non-conservative amino acid substitution, which is likely to impact secondary protein structure as these residues differ in polarity, charge, size and/or other properties. This substitution occurs at a position that is conserved across species. However, in silico analysis is inconsistent in its predictions as to whether or not the E392K variant is damaging to the protein structure/function. Based on the currently available information, it is unclear whether this variant is a pathogenic variant or a rare benign variant.

NM_014874.4(MFN2):c.1174G>A (p.Glu392Lys)

Gene: MFN2 (mitofusin 2; plus strand). Cytogenetic location: 1p36.22.
Variant type: single nucleotide variant.
Coding change: c.1174G>A on transcript NM_014874.4 (MANE Select); coding-DNA position 1174, G replaced by A.
Protein change: p.Glu392Lys; replaces glutamic acid 392 with lysine.
Molecular consequence: missense variant.
Genome position (GRCh38, 1-based): chr1:12,004,005, G>A. VCF-style: chr1-12004005-G-A. GRCh37 (hg19) VCF-style: chr1-12064062-G-A.
Other names: c.1174G>A, p.Glu392Lys (NM_001127660.2); short protein forms E392K.
Identifiers: ClinVar variation 246378 (VCV000246378.2), dbSNP rs767111551, ClinGen allele CA599041.
Genomic context (GRCh38, chr1:12,004,005, plus strand): 5'-CTTAGTCAGACAGGAACATGGATTTCTCACCAGTACTCTGCTTTCAGGGTTTACTGCGAG[G>A]AAATGCGTGAAGAGCGGCAAGACCGACTGAAATTTATTGACAAACAGCTGGAGCTCTTGG-3'
Protein context (NP_055689.1, residues 382-402): AAREQQVYCE[Glu392Lys]MREERQDRLK